The following is an entry in ClinVar:

NM_004100.5(EYA4):c.1445C>T (p.Ala482Val)

Genes: TARID (TCF21 antisense RNA inducing promoter demethylation; minus strand), EYA4 (EYA transcriptional coactivator and phosphatase 4; plus strand). Cytogenetic location: 6q23.2.
Variant type: single nucleotide variant.
Coding change: c.1445C>T on transcript NM_004100.5 (MANE Select); coding-DNA position 1445, C replaced by T.
Protein change: p.Ala482Val; replaces alanine 482 with valine.
Molecular consequence: missense variant.
Genome position (GRCh38, 1-based): chr6:133,512,982, C>T. VCF-style: chr6-133512982-C-T. GRCh37 (hg19) VCF-style: chr6-133834120-C-T.
Other names: c.1283C>T, p.Ala428Val (NM_001301012.2); c.1463C>T, p.Ala488Val (NM_001301013.2); c.1376C>T, p.Ala459Val (NM_001370458.1, NM_172103.4); c.1301C>T, p.Ala434Val (NM_001370459.1); c.1445C>T, p.Ala482Val (NM_172105.4); short protein forms A434V, A488V, A428V, A459V, A482V.
Identifiers: ClinVar variation 1413671 (VCV001413671.11), dbSNP rs1042738234, ClinGen allele CA148073527.
Genomic context (GRCh38, chr6:133,512,982, plus strand): 5'-GTGCAAACCTTTGTTTGCCAACAGGTGTAAGAGGAGGGGTTGACTGGATGAGGAAGTTGG[C>T]TTTTCGTTACAGAAGAGTAAAAGAATTATATAACACCTACAAGAACAACGTTGGAGGTAT-3'
Protein context (NP_004091.3, residues 472-492): RGGVDWMRKL[Ala482Val]FRYRRVKELY

ClinVar aggregate classification (germline): Uncertain significance. Review status: criteria provided, multiple submitters, no conflicts (2 of 4 stars). 3 submissions from 3 submitters: Uncertain significance (3). Last evaluated 2026-01-12.

Conditions:
Dilated cardiomyopathy 1J (CMD1J). Also called: CARDIOMYOPATHY, DILATED, WITH SENSORINEURAL HEARING LOSS, AUTOSOMAL DOMINANT. Identifiers: Orphanet 217622, MedGen C1854368, MONDO:0011541, OMIM 605362.
Cardiovascular phenotype. Identifiers: MedGen CN230736.

Allele frequency attached by ClinVar (database versions not stated): gnomAD exomes below 0.00001 and 0.00001; gnomAD 0.00001 and 0.00002; TOPMed 0.00004.
gnomAD v4.1: 9 of 1,613,970 alleles (0.00056%); highest among the groups gnomAD compares: African/African-American, 0.0067%; no homozygotes.

Submissions (3):

Labcorp Genetics (formerly Invitae), Labcorp
Classification: Uncertain significance for Dilated cardiomyopathy 1J. Last evaluated: 2026-01-12. Review status: criteria provided, single submitter. Criteria: Invitae Variant Classification Sherloc (09022015). Collection method: clinical testing. Allele origin: germline.
Comment: This sequence change replaces alanine, which is neutral and non-polar, with valine, which is neutral and non-polar, at codon 482 of the EYA4 protein (p.Ala482Val). This variant is present in population databases (no rsID available, gnomAD 0.006%). This variant has not been reported in the literature in individuals affected with EYA4-related conditions. ClinVar contains an entry for this variant (Variation ID: 1413671). Invitae Evidence Modeling of protein sequence and biophysical properties (such as structural, functional, and spatial information, amino acid conservation, physicochemical variation, residue mobility, and thermodynamic stability) indicates that this missense variant is expected to disrupt EYA4 protein function with a positive predictive value of 80%. In summary, the available evidence is currently insufficient to determine the role of this variant in disease. Therefore, it has been classified as a Variant of Uncertain Significance.

Ambry Genetics
Classification: Uncertain significance for Cardiovascular phenotype. Last evaluated: 2024-09-17. Review status: criteria provided, single submitter. Criteria: Ambry Variant Classification Scheme 2023. Collection method: clinical testing. Allele origin: germline.
Comment: The p.A482V variant (also known as c.1445C>T), located in coding exon 15 of the EYA4 gene, results from a C to T substitution at nucleotide position 1445. The alanine at codon 482 is replaced by valine, an amino acid with similar properties. This amino acid position is highly conserved in available vertebrate species. In addition, this alteration is predicted to be deleterious by in silico analysis. Since supporting evidence is limited at this time, the clinical significance of this alteration remains unclear.

GeneDx
Classification: Uncertain significance. Last evaluated: 2023-10-03. Review status: criteria provided, single submitter. Criteria: GeneDx Variant Classification Process June 2021. Collection method: clinical testing. Allele origin: germline. Affected: yes.
Comment: Has not been previously published as pathogenic or benign to our knowledge; Not observed at significant frequency in large population cohorts (gnomAD); In silico analysis supports that this missense variant has a deleterious effect on protein structure/function